The following is an entry in ClinVar:

ClinVar aggregate classification (germline): Uncertain significance (1 of 4 stars; one submission).

Conditions:
Hereditary cancer-predisposing syndrome. Also called: Hereditary Cancer Syndrome; Tumor predisposition; Hereditary neoplastic syndrome; Neoplastic Syndromes, Hereditary. Identifiers: Orphanet 140162, MedGen C0027672, MeSH D009386, MONDO:0015356.

gnomAD v4.1: 1 of 1,611,200 alleles (0.000062%); highest among the groups gnomAD compares: Non-Finnish European, 0.000085%; no homozygotes.

Submission:

Ambry Genetics
Classification: Uncertain significance for Hereditary cancer-predisposing syndrome. Last evaluated: 2024-06-27. Review status: criteria provided, single submitter. Criteria: Ambry Variant Classification Scheme 2023. Collection method: clinical testing. Allele origin: germline.
Comment: The c.-3G>C variant is located in the 5' untranslated region (5&rsquo; UTR) of the MSH6 gene. This variant results from a G to C substitution 3 bases upstream from the first translated codon. This nucleotide position is well conserved in available vertebrate species. Based on the available evidence, the clinical significance of this variant remains unclear.

NM_000179.3(MSH6):c.-3G>C

Gene: MSH6 (mutS homolog 6; plus strand). Cytogenetic location: 2p16.3.
Variant type: single nucleotide variant.
Coding change: c.-3G>C on transcript NM_000179.3 (MANE Select); 3 bases upstream of the start codon, G replaced by C.
Molecular consequence: 5 prime UTR variant. On other transcripts: non-coding transcript variant (5).
Genome position (GRCh38, 1-based): chr2:47,783,231, G>C. VCF-style: chr2-47783231-G-C. GRCh37 (hg19) VCF-style: chr2-48010370-G-C.
Other names: c.-3G>C (NM_001281492.2, NM_001406795.1, NM_001406796.1 and 9 more transcripts); c.-739G>C (NM_001281493.2, NM_001406811.1); c.-38G>C (NM_001406797.1, NM_001406801.1, NM_001406805.1); c.-331G>C (NM_001406799.1); c.-58G>C (NM_001406804.1); c.-69G>C (NM_001406806.1); c.-931G>C (NM_001406807.1); c.-586G>C (NM_001406812.1); and 3 more.
Identifiers: ClinVar variation 3398865 (VCV003398865.1).